The following is an entry in ClinVar:

ClinVar aggregate classification (germline): Uncertain significance. Review status: criteria provided, multiple submitters, no conflicts (2 of 4 stars). 6 submissions from 6 submitters: Uncertain significance (6). Last evaluated 2025-11-05.

Conditions:
Inborn genetic diseases. Identifiers: MedGen C0950123, MeSH D030342.
Epidermolysis bullosa simplex, Ogna type (EBS5A). Also called: Pidermolysis bullosa simplex 5A, Ogna type; EPIDERMOLYSIS BULLOSA SIMPLEX 5A, OGNA TYPE. Identifiers: Orphanet 79401, MedGen C0432317, MONDO:0007555, OMIM 131950.
Epidermolysis bullosa simplex with nail dystrophy (EBS5D). Identifiers: MedGen C4225309, MONDO:0014661, OMIM 616487.
Epidermolysis bullosa simplex 5B, with muscular dystrophy (EBS5B). Also called: Epidermolysis bullosa simplex with muscular dystrophy; EPIDERMOLYSIS BULLOSA SIMPLEX AND LIMB-GIRDLE MUSCULAR DYSTROPHY. Identifiers: Orphanet 257, MedGen C2931072, MONDO:0009181, OMIM 226670.
Epidermolysis bullosa simplex 5C, with pyloric atresia (EBS5C). Also called: PLEC-Related Epidermolysis Bullosa with Pyloric Atresia; Epidermolysis bullosa simplex with pyloric atresia; PLEC1-Related Epidermolysis Bullosa with Pyloric Atresia. Identifiers: Orphanet 158684, MedGen C2677349, MONDO:0012807, OMIM 612138.
Autosomal recessive limb-girdle muscular dystrophy type 2Q (LGMDR17). Also called: MUSCULAR DYSTROPHY, LIMB-GIRDLE, AUTOSOMAL RECESSIVE 17. Identifiers: Orphanet 254361, MedGen C3150989, MONDO:0013390, OMIM 613723.

Allele frequency attached by ClinVar (database versions not stated): 1000 Genomes Project 30x 0.00031; gnomAD 0.00031 and 0.00028; 1000 Genomes Project 0.00040; ExAC 0.00007; gnomAD exomes 0.00009; TOPMed 0.00028.
gnomAD v4.1: 108 of 1,580,186 alleles (0.0068%); highest among the groups gnomAD compares: African/African-American, 0.082%; no homozygotes.

Submissions (6):

GeneDx
Classification: Uncertain significance. Last evaluated: 2025-11-05. Review status: criteria provided, single submitter. Criteria: GeneDx Variant Classification Process June 2021. Collection method: clinical testing. Allele origin: germline. Affected: yes.
Comment: Reported previously as a de novo variant in a patient from the SPARK cohort; however, the patient also harbored other de novo variants in different genes (PMID: 35982159, 35982160); In silico analysis supports that this missense variant has a deleterious effect on protein structure/function; Missense variant in a gene in which most reported pathogenic variants are truncating/loss of function; This variant is associated with the following publications: (PMID: 35982160, 35982159)

Labcorp Genetics (formerly Invitae), Labcorp
Classification: Uncertain significance for Autosomal recessive limb-girdle muscular dystrophy type 2Q; Epidermolysis bullosa simplex, Ogna type; Epidermolysis bullosa simplex with nail dystrophy; Epidermolysis bullosa simplex 5C, with pyloric atresia; Epidermolysis bullosa simplex 5B, with muscular dystrophy. Last evaluated: 2025-09-10. Review status: criteria provided, single submitter. Criteria: Invitae Variant Classification Sherloc (09022015). Collection method: clinical testing. Allele origin: germline.
Comment: This sequence change replaces arginine, which is basic and polar, with tryptophan, which is neutral and slightly polar, at codon 1577 of the PLEC protein (p.Arg1577Trp). The frequency data for this variant in the population databases is considered unreliable, as metrics indicate poor data quality at this position in the gnomAD database. This variant has not been reported in the literature in individuals affected with PLEC-related conditions. ClinVar contains an entry for this variant (Variation ID: 451973). Experimental studies and prediction algorithms are not available or were not evaluated, and the functional significance of this variant is currently unknown. In summary, the available evidence is currently insufficient to determine the role of this variant in disease. Therefore, it has been classified as a Variant of Uncertain Significance.

Blueprint Genetics
Classification: Uncertain significance. Last evaluated: 2024-10-24. Review status: criteria provided, single submitter. Criteria: ACMG Guidelines, 2015. Collection method: clinical testing. Allele origin: germline.

Revvity Omics, Revvity
Classification: Uncertain significance. Last evaluated: 2023-09-25. Review status: criteria provided, single submitter. Criteria: ACMG Guidelines, 2015. Collection method: clinical testing. Allele origin: germline.

Ambry Genetics
Classification: Uncertain significance for Inborn genetic diseases. Last evaluated: 2021-08-13. Review status: criteria provided, single submitter. Criteria: Ambry Variant Classification Scheme 2023. Collection method: clinical testing. Allele origin: germline.

Eurofins Ntd Llc (ga)
Classification: Uncertain significance. Last evaluated: 2018-03-13. Review status: criteria provided, single submitter. Criteria: EGL ClinVar v180209 classification definitions. Collection method: clinical testing. Allele origin: germline. Observed: 5 variant alleles, 5 heterozygotes.

NM_201384.3(PLEC):c.4648C>T (p.Arg1550Trp)

Gene: PLEC (plectin; minus strand). Cytogenetic location: 8q24.3.
Variant type: single nucleotide variant.
Coding change: c.4648C>T on transcript NM_201384.3 (MANE Select); coding-DNA position 4648, C replaced by T.
Protein change: p.Arg1550Trp; replaces arginine 1550 with tryptophan.
Molecular consequence: missense variant.
Genome position (GRCh38, 1-based): chr8:143,925,281, G>A on the plus strand (C>T on the coding strand, the complement: PLEC is on the minus strand). VCF-style: chr8-143925281-G-A. GRCh37 (hg19) VCF-style: chr8-144999449-G-A.
Other names: c.4729C>T, p.Arg1577Trp (NM_000445.5); c.4606C>T, p.Arg1536Trp (NM_201378.4); c.4582C>T, p.Arg1528Trp (NM_201379.3); c.5059C>T, p.Arg1687Trp (NM_201380.4); c.4552C>T, p.Arg1518Trp (NM_201381.3); c.4648C>T, p.Arg1550Trp (NM_201382.4); c.4660C>T, p.Arg1554Trp (NM_201383.3); short protein forms R1518W, R1528W, R1536W, R1550W, R1554W, R1577W, R1687W.
Identifiers: ClinVar variation 451973 (VCV000451973.19), dbSNP rs560918806, ClinGen allele CA4926595.